The following is an entry in ClinVar:

NM_001753.5(CAV1):c.209A>G (p.Asp70Gly)

Gene: CAV1 (caveolin 1; plus strand). Cytogenetic location: 7q31.2.
Variant type: single nucleotide variant.
Coding change: c.209A>G on transcript NM_001753.5 (MANE Select); coding-DNA position 209, A replaced by G.
Protein change: p.Asp70Gly; replaces aspartic acid 70 with glycine.
Molecular consequence: missense variant.
Genome position (GRCh38, 1-based): chr7:116,558,959, A>G. VCF-style: chr7-116558959-A-G. GRCh37 (hg19) VCF-style: chr7-116199013-A-G.
Other names: c.116A>G, p.Asp39Gly (NM_001172895.1, NM_001172896.2, NM_001172897.2); short protein forms D39G, D70G.
Identifiers: ClinVar variation 3485498 (VCV003485498.1).

ClinVar aggregate classification (germline): Uncertain significance (1 of 4 stars; one submission).

Conditions:
Inborn genetic diseases. Identifiers: MedGen C0950123, MeSH D030342.

gnomAD v4.1: 1 of 1,612,890 alleles (0.000062%); highest among the groups gnomAD compares: Non-Finnish European, 0.000085%; no homozygotes.

Submission:

Ambry Genetics
Classification: Uncertain significance for Inborn genetic diseases. Last evaluated: 2024-09-11. Review status: criteria provided, single submitter. Criteria: Ambry Variant Classification Scheme 2023. Collection method: clinical testing. Allele origin: germline.
Comment: The p.D70G variant (also known as c.209A>G), located in coding exon 3 of the CAV1 gene, results from an A to G substitution at nucleotide position 209. The aspartic acid at codon 70 is replaced by glycine, an amino acid with similar properties. This amino acid position is conserved. In addition, this alteration is predicted to be deleterious by in silico analysis. Based on the available evidence, the clinical significance of this variant remains unclear.